The following is an entry in ClinVar:

ClinVar aggregate classification (germline): Uncertain significance. Review status: criteria provided, multiple submitters, no conflicts (2 of 4 stars). 2 submissions from 2 submitters: Uncertain significance (2). Last evaluated 2024-11-18.

Conditions:
Juvenile myelomonocytic leukemia (JMML). Also called: LEUKEMIA, JUVENILE MYELOMONOCYTIC, SOMATIC. Identifiers: Orphanet 86834, MedGen C0349639, MONDO:0011908, OMIM 607785, HP:0012209.
Neurofibromatosis, type 1 (NF1). Also called: Neurofibromatosis, type I; Peripheral type neurofibromatosis; VON RECKLINGHAUSEN DISEASE; NEUROFIBROMATOSIS, TYPE I, SOMATIC. Identifiers: Orphanet 636, MedGen C0027831, MONDO:0018975, OMIM 162200. Disease mechanism: loss of function.

Submissions (2):

Labcorp Genetics (formerly Invitae), Labcorp
Classification: Uncertain significance for Neurofibromatosis, type 1. Last evaluated: 2024-11-18. Review status: criteria provided, single submitter. Criteria: Invitae Variant Classification Sherloc (09022015). Collection method: clinical testing. Allele origin: germline.
Comment: This sequence change replaces serine, which is neutral and polar, with glycine, which is neutral and non-polar, at codon 2494 of the NF1 protein (p.Ser2494Gly). This variant is not present in population databases (gnomAD no frequency). This variant has not been reported in the literature in individuals affected with NF1-related conditions. ClinVar contains an entry for this variant (Variation ID: 971239). Invitae Evidence Modeling of protein sequence and biophysical properties (such as structural, functional, and spatial information, amino acid conservation, physicochemical variation, residue mobility, and thermodynamic stability) indicates that this missense variant is not expected to disrupt NF1 protein function with a negative predictive value of 95%. In summary, the available evidence is currently insufficient to determine the role of this variant in disease. Therefore, it has been classified as a Variant of Uncertain Significance.

Baylor Genetics
Classification: Uncertain significance for Juvenile myelomonocytic leukemia. Last evaluated: 2024-01-19. Review status: criteria provided, single submitter. Criteria: ACMG Guidelines, 2015. Collection method: clinical testing. Allele origin: unknown.

NM_001042492.3(NF1):c.7543A>G (p.Ser2515Gly)

Gene: NF1 (neurofibromin 1; plus strand). Cytogenetic location: 17q11.2.
Variant type: single nucleotide variant.
Coding change: c.7543A>G on transcript NM_001042492.3 (MANE Select); coding-DNA position 7543, A replaced by G.
Protein change: p.Ser2515Gly; replaces serine 2515 with glycine.
Molecular consequence: missense variant.
Genome position (GRCh38, 1-based): chr17:31,352,342, A>G. VCF-style: chr17-31352342-A-G. GRCh37 (hg19) VCF-style: chr17-29679360-A-G.
Other names: c.7480A>G, p.Ser2494Gly (NM_000267.4); short protein forms S2515G, S2494G.
Identifiers: ClinVar variation 971239 (VCV000971239.8), dbSNP rs2070170553, ClinGen allele CA399017638.